The following is an entry in ClinVar:

NM_000138.5(FBN1):c.8475A>C (p.Gly2825=)

Gene: FBN1 (fibrillin 1; minus strand). Cytogenetic location: 15q21.1.
Variant type: single nucleotide variant.
Coding change: c.8475A>C on transcript NM_000138.5 (MANE Select); coding-DNA position 8475, A replaced by C.
Protein change: p.Gly2825=; no amino-acid change (glycine 2825 retained).
Molecular consequence: synonymous variant.
Genome position (GRCh38, 1-based): chr15:48,411,131, T>G on the plus strand (A>C on the coding strand, the complement: FBN1 is on the minus strand). VCF-style: chr15-48411131-T-G. GRCh37 (hg19) VCF-style: chr15-48703328-T-G.
Other names: c.8475A>C, p.Gly2825= (NM_001406716.1).
Identifiers: ClinVar variation 3386741 (VCV003386741.1).

ClinVar aggregate classification (germline): Likely benign (1 of 4 stars; one submission).

Conditions:
Marfan syndrome (MFS). Also called: MARFAN SYNDROME, TYPE I; Marfan syndrome type 1; Marfan's syndrome; FBN1-Related Marfan Syndrome; Marfan syndrome, classic. Identifiers: Orphanet 284963, Orphanet 558, MedGen C0024796, MONDO:0007947, OMIM 154700.

Submission:

All of Us Research Program, National Institutes of Health
Classification: Likely benign for Marfan syndrome. Last evaluated: 2024-05-14. Review status: criteria provided, single submitter. Criteria: ACMG Guidelines, 2015. Collection method: clinical testing. Allele origin: germline. Inheritance: Autosomal dominant inheritance. Observed: 1 variant allele, 1 heterozygote.
Comment: This study involves interpretation of variants in research participants for the purpose of population health screening. Participant phenotype was not available at the time of variant classification. Additional details can be found in publication PMID: 35346344, PMCID: PMC8962531